The following is an entry in ClinVar:

ClinVar aggregate classification (germline): Likely benign (1 of 4 stars; one submission).

Allele frequency attached by ClinVar (database versions not stated): gnomAD exomes below 0.00001; TOPMed 0.00001.
gnomAD v4.1: 1 of 1,271,766 alleles (0.000079%); highest among the groups gnomAD compares: Non-Finnish European, 0.000099%; no homozygotes.

Submission:

CeGaT Center for Human Genetics Tuebingen
Classification: Likely benign. Last evaluated: 2022-06-01. Review status: criteria provided, single submitter. Criteria: CeGaT Center For Human Genetics Tuebingen Variant Classification Criteria Version 2. Collection method: clinical testing. Allele origin: germline. Affected: yes. Observed: 1 variant allele.
Comment: LACTBL1: PM2:Supporting, BP4, BP7

NM_001289974.2(LACTBL1):c.1128C>T (p.Asn376=)

Gene: LACTBL1 (lactamase beta like 1; minus strand). Cytogenetic location: 1p36.12.
Variant type: single nucleotide variant.
Coding change: c.1128C>T on transcript NM_001289974.2 (MANE Select); coding-DNA position 1128, C replaced by T.
Protein change: p.Asn376=; no amino-acid change (asparagine 376 retained).
Molecular consequence: synonymous variant.
Genome position (GRCh38, 1-based): chr1:22,953,655, G>A on the plus strand (C>T on the coding strand, the complement: LACTBL1 is on the minus strand). VCF-style: chr1-22953655-G-A. GRCh37 (hg19) VCF-style: chr1-23280148-G-A.
Identifiers: ClinVar variation 2638472 (VCV002638472.24), dbSNP rs910819754, ClinGen allele CA19196549.